The following is an entry in ClinVar:

NM_000077.5(CDKN2A):c.197A>G (p.His66Arg)

Gene: CDKN2A (cyclin dependent kinase inhibitor 2A; minus strand). Cytogenetic location: 9p21.3.
Variant type: single nucleotide variant.
Coding change: c.197A>G on transcript NM_000077.5; coding-DNA position 197, A replaced by G.
Protein change: p.His66Arg; replaces histidine 66 with arginine.
Molecular consequence: missense variant (on NM_000077.6). On other transcripts: synonymous variant (1), 3 prime UTR variant (1).
Genome position (GRCh38, 1-based): chr9:21,971,162, T>C on the plus strand (A>G on the coding strand, the complement: CDKN2A is on the minus strand). VCF-style: chr9-21971162-T-C. GRCh37 (hg19) VCF-style: chr9-21971161-T-C.
Other names: c.197A>G, p.His66Arg (NM_000077.6, NM_001195132.2); c.44A>G, p.His15Arg (NM_001363763.2); c.240A>G, p.Pro80= (NM_058195.4); c.*120A>G (NM_058197.5); short protein forms H66R, H15R.
Identifiers: ClinVar variation 246117 (VCV000246117.31), dbSNP rs756750256, ClinGen allele CA5012211.

ClinVar aggregate classification (germline): Conflicting classifications of pathogenicity. Review status: criteria provided, conflicting classifications (1 of 4 stars). 11 submissions from 11 submitters: Uncertain significance (2); Benign (1); Likely benign (6). 2 of the submissions do not count toward it. Last evaluated 2026-01-27.

Conditions:
CDKN2A-related disorder. Also called: CDKN2A-related condition.
Familial melanoma. Also called: Hereditary melanoma; Hereditary cutaneous melanoma. Identifiers: Orphanet 618, MedGen C1512419, MONDO:0018961.
Hereditary cancer-predisposing syndrome. Also called: Hereditary Cancer Syndrome; Tumor predisposition; Hereditary neoplastic syndrome; Neoplastic Syndromes, Hereditary. Identifiers: Orphanet 140162, MedGen C0027672, MeSH D009386, MONDO:0015356.
Melanoma-pancreatic cancer syndrome. Identifiers: Orphanet 404560, MedGen C1838547, MONDO:0011713, OMIM 606719. Disease mechanism: loss of function.

Allele frequency attached by ClinVar (database versions not stated): gnomAD 0.00004 and 0.00009; TOPMed 0.00006; ExAC 0.00009; gnomAD exomes 0.00009 and 0.00021.
gnomAD v4.1: 303 of 1,594,708 alleles (0.019%); highest among the groups gnomAD compares: East Asian, 0.67%; 2 homozygotes.

Submissions (11):

Labcorp Genetics (formerly Invitae), Labcorp
Classification: Likely benign for Familial melanoma. Last evaluated: 2026-01-27. Review status: criteria provided, single submitter. Criteria: Invitae Variant Classification Sherloc (09022015). Collection method: clinical testing. Allele origin: germline.

Center for Genomic Medicine, Rigshospitalet, Copenhagen University Hospital
Classification: Uncertain significance. Last evaluated: 2025-03-04. Review status: criteria provided, single submitter. Criteria: ACMG Guidelines, 2015. Collection method: clinical testing. Allele origin: germline.

Women's Health and Genetics/Laboratory Corporation of America, LabCorp
Classification: Likely benign. Last evaluated: 2025-01-06. Review status: criteria provided, single submitter. Criteria: LabCorp Variant Classification Summary - May 2015. Collection method: clinical testing. Allele origin: germline.
Comment: Variant summary: CDKN2A c.197A>G (p.His66Arg) results in a non-conservative amino acid change located in the Ankyrin repeat-containing domain of the encoded protein sequence. Three of five in-silico tools predict a damaging effect of the variant on protein function. The variant allele was found at a frequency of 0.00021 in 216546 control chromosomes, predominantly at a frequency of 0.0011 within the East Asian subpopulation in the gnomAD database. The observed variant frequency within East Asian control individuals in the gnomAD database is approximately 3.67 fold of the estimated maximal expected allele frequency for a pathogenic variant in CDKN2A causing Cutaneous Malignant Melanoma phenotype (0.0003). c.197A>G has been reported in the literature in several individuals with various tumor phenotypes, found as both germline and somatic occurrences (Ohnishi_1995, Morita_1998, Yonghao_1999, Hayano_2016, Fujita_1997, Ji_2015, Kim_2014, Takenaka_2015, Hwang_2017, Lee_2017, Jiang_2018, Onidani_2019), however these patients were exclusively of East Asian origin. These report(s) do not provide unequivocal conclusions about association of the variant with Cutaneous Malignant Melanoma. To our knowledge, no experimental evidence demonstrating an impact on protein function has been reported. The following publications have been ascertained in the context of this evaluation (PMID: 27701467, 9133447, 26295973, 9856796, 7632931, 25846456, 12894891, 26474073, 28521409, 28599463, 25372287, 27756164, 27960642, 28765326, 9166859, 16818274, 18519632, 7718873, 29642553, 31169336). ClinVar contains an entry for this variant (Variation ID: 246117). Based on the evidence outlined above, the variant was classified as likely benign.

Color Diagnostics, LLC DBA Color Health
Classification: Likely benign for Hereditary cancer-predisposing syndrome. Last evaluated: 2024-09-19. Review status: criteria provided, single submitter. Criteria: ACMG Guidelines, 2015. Collection method: clinical testing. Allele origin: germline.

Sema4
Classification: Likely benign for Hereditary cancer-predisposing syndrome. Last evaluated: 2020-12-02. Review status: criteria provided, single submitter. Criteria: Sema4 Curation Guidelines. Collection method: curation. Allele origin: germline.

Ambry Genetics
Classification: Likely benign for Hereditary cancer-predisposing syndrome. Last evaluated: 2020-04-24. Review status: criteria provided, single submitter. Criteria: Ambry Variant Classification Scheme 2023. Collection method: clinical testing. Allele origin: germline.

Quest Diagnostics Nichols Institute San Juan Capistrano
Classification: Benign. Last evaluated: 2020-01-28. Review status: criteria provided, single submitter. Criteria: Quest Diagnostics criteria. Collection method: clinical testing. Allele origin: unknown.

Mendelics
Classification: Uncertain significance for Melanoma-pancreatic cancer syndrome. Last evaluated: 2019-05-28. Review status: criteria provided, single submitter. Criteria: Mendelics Assertion Criteria 2017. Collection method: clinical testing. Allele origin: unknown.

GeneDx
Classification: Likely benign. Last evaluated: 2019-03-20. Review status: criteria provided, single submitter. Criteria: GeneDx Variant Classification Process June 2021. Collection method: clinical testing. Allele origin: germline. Affected: yes.
Comment: This variant is associated with the following publications: (PMID: 7478535, 7632931, 27338637, 27701467, 28489587, 21462282, 9823374, 25846456, 9133447, 7478613, 9037130, 12894891, 16354195, 28599463)

PreventionGenetics, part of Exact Sciences
Classification: Likely benign for CDKN2A-related condition. Last evaluated: 2020-07-17. Review status: no assertion criteria provided. Collection method: clinical testing. Allele origin: germline. Not counted in ClinVar's aggregate classification.
Comment: This variant is classified as likely benign based on ACMG/AMP sequence variant interpretation guidelines (Richards et al. 2015 PMID: 25741868, with internal and published modifications).

True Health Diagnostics
Classification: Uncertain significance for Hereditary cancer-predisposing syndrome. Last evaluated: 2018-02-20. Review status: no assertion criteria provided. Collection method: clinical testing. Allele origin: germline. Not counted in ClinVar's aggregate classification.

Literature cited by the submitters: PubMed 27701467 (cited by 3 submitters); PubMed 9133447 (cited by Women's Health and Genetics/Laboratory Corporation of America, LabCorp and Quest Diagnostics Nichols Institute San Juan Capistrano); PubMed 26295973 (cited by Women's Health and Genetics/Laboratory Corporation of America, LabCorp and Quest Diagnostics Nichols Institute San Juan Capistrano); PubMed 9856796 (cited by Women's Health and Genetics/Laboratory Corporation of America, LabCorp and Quest Diagnostics Nichols Institute San Juan Capistrano); PubMed 7632931 (cited by Women's Health and Genetics/Laboratory Corporation of America, LabCorp); PubMed 25846456 (cited by Women's Health and Genetics/Laboratory Corporation of America, LabCorp and Quest Diagnostics Nichols Institute San Juan Capistrano); PubMed 12894891 (cited by Women's Health and Genetics/Laboratory Corporation of America, LabCorp and Ambry Genetics); PubMed 26474073 (cited by Women's Health and Genetics/Laboratory Corporation of America, LabCorp and Quest Diagnostics Nichols Institute San Juan Capistrano); PubMed 28521409 (cited by Women's Health and Genetics/Laboratory Corporation of America, LabCorp and Quest Diagnostics Nichols Institute San Juan Capistrano); PubMed 28599463 (cited by Women's Health and Genetics/Laboratory Corporation of America, LabCorp and Quest Diagnostics Nichols Institute San Juan Capistrano); PubMed 25372287 (cited by Women's Health and Genetics/Laboratory Corporation of America, LabCorp and Quest Diagnostics Nichols Institute San Juan Capistrano); PubMed 27756164 (cited by Women's Health and Genetics/Laboratory Corporation of America, LabCorp); PubMed 27960642 (cited by Women's Health and Genetics/Laboratory Corporation of America, LabCorp); PubMed 28765326 (cited by Women's Health and Genetics/Laboratory Corporation of America, LabCorp); PubMed 9166859 (cited by Women's Health and Genetics/Laboratory Corporation of America, LabCorp); PubMed 16818274 (cited by Women's Health and Genetics/Laboratory Corporation of America, LabCorp); PubMed 18519632 (cited by Women's Health and Genetics/Laboratory Corporation of America, LabCorp); PubMed 7718873 (cited by Women's Health and Genetics/Laboratory Corporation of America, LabCorp); PubMed 29642553 (cited by Women's Health and Genetics/Laboratory Corporation of America, LabCorp); PubMed 31169336 (cited by Women's Health and Genetics/Laboratory Corporation of America, LabCorp); PubMed 16354195 (cited by Ambry Genetics); PubMed 21462282 (cited by Ambry Genetics and Quest Diagnostics Nichols Institute San Juan Capistrano).